The following is an entry in ClinVar:

NM_017671.5(FERMT1):c.22A>G (p.Thr8Ala)

Gene: FERMT1 (FERM domain containing kindlin 1; minus strand). Cytogenetic location: 20p12.3.
Variant type: single nucleotide variant.
Coding change: c.22A>G on transcript NM_017671.5 (MANE Select); coding-DNA position 22, A replaced by G.
Protein change: p.Thr8Ala; replaces threonine 8 with alanine.
Molecular consequence: missense variant.
Genome position (GRCh38, 1-based): chr20:6,119,533, T>C on the plus strand (A>G on the coding strand, the complement: FERMT1 is on the minus strand). VCF-style: chr20-6119533-T-C. GRCh37 (hg19) VCF-style: chr20-6100180-T-C.
Other names: short protein forms T8A.
Identifiers: ClinVar variation 1367653 (VCV001367653.8), dbSNP rs776284106, ClinGen allele CA9758568.

ClinVar aggregate classification (germline): Uncertain significance (1 of 4 stars; one submission).

Allele frequency attached by ClinVar (database versions not stated): gnomAD 0.00001; ExAC 0.00002; gnomAD exomes 0.00002 and 0.00003.
gnomAD v4.1: 16 of 1,614,010 alleles (0.00099%); no homozygotes.

Submission:

Labcorp Genetics (formerly Invitae), Labcorp
Classification: Uncertain significance. Last evaluated: 2021-07-21. Review status: criteria provided, single submitter. Criteria: Invitae Variant Classification Sherloc (09022015). Collection method: clinical testing. Allele origin: germline.
Comment: This sequence change replaces threonine with alanine at codon 8 of the FERMT1 protein (p.Thr8Ala). The threonine residue is weakly conserved and there is a small physicochemical difference between threonine and alanine. This variant is present in population databases (rs776284106, ExAC 0.02%). This variant has not been reported in the literature in individuals affected with FERMT1-related conditions. Algorithms developed to predict the effect of missense changes on protein structure and function output the following: SIFT: "Tolerated"; PolyPhen-2: "Benign"; Align-GVGD: "Class C0". The alanine amino acid residue is found in multiple mammalian species, which suggests that this missense change does not adversely affect protein function. In summary, the available evidence is currently insufficient to determine the role of this variant in disease. Therefore, it has been classified as a Variant of Uncertain Significance.